The following is an entry in ClinVar:

ClinVar aggregate classification (germline): Conflicting classifications of pathogenicity. Review status: criteria provided, conflicting classifications (1 of 4 stars). 10 submissions from 10 submitters: Uncertain significance (8); Likely benign (1). 1 of the submissions does not count toward it. Last evaluated 2026-01-14.

Conditions:
BRIP1-related disorder. Also called: BRIP1-related condition; BRIP1-related disorders. Identifiers: MedGen CN239206.
Hereditary cancer-predisposing syndrome. Also called: Hereditary Cancer Syndrome; Neoplastic Syndromes, Hereditary; Tumor predisposition; Hereditary neoplastic syndrome. Identifiers: Orphanet 140162, MedGen C0027672, MeSH D009386, MONDO:0015356.
Fanconi anemia complementation group J. Also called: BRIP1-Related Fanconi Anemia. Identifiers: Orphanet 84, MedGen C1836860, MONDO:0012187, OMIM 609054.
Familial cancer of breast. Also called: Hereditary breast cancer; hereditary breast carcinoma; BREAST CANCER, FAMILIAL. Identifiers: Orphanet 227535, MedGen C0346153, MONDO:0016419, OMIM 114480. Disease mechanism: loss of function.

Allele frequency attached by ClinVar (database versions not stated): ExAC 0.00003; gnomAD exomes 0.00003; gnomAD 0.00007; TOPMed 0.00007; ESP Exome Variant Server 0.00008; 1000 Genomes Project 0.00020; 1000 Genomes Project 30x 0.00031.
gnomAD v4.1: 22 of 1,614,190 alleles (0.0014%); highest among the groups gnomAD compares: African/African-American, 0.019%; no homozygotes.

Submissions (10):

Labcorp Genetics (formerly Invitae), Labcorp
Classification: Likely benign for Familial cancer of breast; Fanconi anemia complementation group J. Last evaluated: 2026-01-14. Review status: criteria provided, single submitter. Criteria: Invitae Variant Classification Sherloc (09022015). Collection method: clinical testing. Allele origin: germline.

Ambry Genetics
Classification: Uncertain significance for Hereditary cancer-predisposing syndrome. Last evaluated: 2025-10-29. Review status: criteria provided, single submitter. Criteria: Ambry Variant Classification Scheme 2023. Collection method: clinical testing. Allele origin: germline.

St. Jude Molecular Pathology, St. Jude Children's Research Hospital
Classification: Uncertain significance for Fanconi anemia complementation group J. Last evaluated: 2025-02-05. Review status: criteria provided, single submitter. Criteria: St. Jude Assertion Criteria 2020. Collection method: clinical testing. Allele origin: germline.
Comment: The BRIP1 c.3079G>A p.(Glu1027Lys) missense change has a maximum subpopulation frequency of 0.03% in gnomAD v2.1.1. The in silico tool REVEL predicts a benign effect on protein function, but to our knowledge this prediction has not been confirmed by functional studies. To our knowledge, this variant has not been reported as pathogenic in individuals with BRIP1-associated conditions. In summary, the evidence currently available is insufficient to determine the clinical significance of this variant. It has therefore been classified as of uncertain significance.

Quest Diagnostics Nichols Institute San Juan Capistrano
Classification: Uncertain significance. Last evaluated: 2025-01-22. Review status: criteria provided, single submitter. Criteria: Quest Diagnostics criteria. Collection method: clinical testing. Allele origin: unknown.
Comment: The BRIP1 c.3079G>A (p.Glu1027Lys) variant has been reported in the published literature in individuals with breast and/or ovarian cancer (PMID: 31206626 (2019), 28528518 (2017)), colorectal cancer (PMID: 27978560 (2016)), and suspected Lynch syndrome (PMID: 25980754 (2015)). The frequency of this variant in the general population (Genome Aggregation Database) is uninformative in the assessment of its pathogenicity. Analysis of this variant using bioinformatics tools for the prediction of the effect of amino acid changes on protein structure and function yielded predictions that this variant is benign. Based on the available information, we are unable to determine the clinical significance of this variant.

Fulgent Genetics
Classification: Uncertain significance for Familial cancer of breast; Fanconi anemia complementation group J. Last evaluated: 2024-05-01. Review status: criteria provided, single submitter. Criteria: ACMG Guidelines, 2015. Collection method: clinical testing. Allele origin: germline.

Department of Pathology and Laboratory Medicine, Sinai Health System
Classification: Uncertain significance for Familial cancer of breast. Last evaluated: 2023-11-27. Review status: criteria provided, single submitter. Criteria: ACMG Guidelines, 2015. Collection method: clinical testing. Allele origin: germline. Affected: yes.

GeneDx
Classification: Uncertain significance. Last evaluated: 2023-09-08. Review status: criteria provided, single submitter. Criteria: GeneDx Variant Classification Process June 2021. Collection method: clinical testing. Allele origin: germline. Affected: yes.
Comment: In silico analysis supports that this missense variant does not alter protein structure/function; Observed in individuals with suspected hereditary breast and ovarian cancer or colorectal cancer and/or polyps (PMID: 25980754, 27978560, 28528518); This variant is associated with the following publications: (PMID: 25980754, 27978560, 28528518, 31658756, 11301010)

Genetic Services Laboratory, University of Chicago
Classification: Uncertain significance. Last evaluated: 2021-05-03. Review status: criteria provided, single submitter. Criteria: ACMG Guidelines, 2015. Collection method: clinical testing. Allele origin: germline. Affected: no.
Comment: DNA sequence analysis of the BRIP1 gene demonstrated a sequence change, c.3079G>A, in exon 20 that results in an amino acid change, p.Glu1027Lys. This sequence change has been described in three individuals with colorectal cancer, or breast/ovarian cancer, or suspected Lynch syndrome-related cancer/polyps (PMIDs: 27978560, 25980754, 28528518). This sequence change has been described in the gnomAD database with a low frequency of 0.028% in the African/African American subpopulation (dbSNP rs371185409). The p.Glu1027Lys change affects a poorly conserved amino acid residue of the BRIP1 protein. The p.Glu1027Lys substitution appears to be benign using several in-silico pathogenicity prediction tools (SIFT, PolyPhen2, Align GVGD, REVEL). Due to these contrasting evidences and the lack of functional studies, the clinical significance of the p.Glu1027Lys change remains unknown at this time.

Color Diagnostics, LLC DBA Color Health
Classification: Uncertain significance for Hereditary cancer-predisposing syndrome. Last evaluated: 2019-05-02. Review status: criteria provided, single submitter. Criteria: ACMG Guidelines, 2015. Collection method: clinical testing. Allele origin: germline.

PreventionGenetics, part of Exact Sciences
Classification: Uncertain significance for BRIP1-related condition. Last evaluated: 2024-03-06. Review status: no assertion criteria provided. Collection method: clinical testing. Allele origin: germline. Not counted in ClinVar's aggregate classification.
Comment: The BRIP1 c.3079G>A variant is predicted to result in the amino acid substitution p.Glu1027Lys. This variant has been reported in individuals undergoing testing of Lynch syndrome, colorectal cancer or hereditary breast/ovarian cancer (Supplemental Table 2, Yurgelun MB et al 2015. PubMed ID: 25980754; eTable3, Pearlman et al 2017. PubMed ID: 27978560; Cock-Rada AM et al 2018. PubMed ID: 28528518). This variant is reported in 0.028% of alleles in individuals of African descent in gnomAD and has conflicting interpretations regarding its pathogenicity in ClinVar, ranging from likely benign to uncertain. At this time, the clinical significance of this variant is uncertain due to the absence of conclusive functional and genetic evidence.

Literature cited by the submitters: PubMed 31206626 (cited by Quest Diagnostics Nichols Institute San Juan Capistrano and Department of Pathology and Laboratory Medicine, Sinai Health System); PubMed 25980754 (cited by Quest Diagnostics Nichols Institute San Juan Capistrano and Department of Pathology and Laboratory Medicine, Sinai Health System); PubMed 28528518 (cited by Quest Diagnostics Nichols Institute San Juan Capistrano and Department of Pathology and Laboratory Medicine, Sinai Health System); PubMed 27978560 (cited by Quest Diagnostics Nichols Institute San Juan Capistrano and Department of Pathology and Laboratory Medicine, Sinai Health System).

NM_032043.3(BRIP1):c.3079G>A (p.Glu1027Lys)

Gene: BRIP1 (BRCA1 interacting DNA helicase 1; minus strand). Cytogenetic location: 17q23.2.
Variant type: single nucleotide variant.
Coding change: c.3079G>A on transcript NM_032043.3 (MANE Select); coding-DNA position 3079, G replaced by A.
Protein change: p.Glu1027Lys; replaces glutamic acid 1027 with lysine.
Molecular consequence: missense variant.
Genome position (GRCh38, 1-based): chr17:61,683,967, C>T on the plus strand (G>A on the coding strand, the complement: BRIP1 is on the minus strand). VCF-style: chr17-61683967-C-T. GRCh37 (hg19) VCF-style: chr17-59761328-C-T.
Other names: short protein forms E1027K.
Identifiers: ClinVar variation 230429 (VCV000230429.37), dbSNP rs371185409, ClinGen allele CA8690401.